The following is an entry in ClinVar:

NM_001009944.3(PKD1):c.7108T>A (p.Cys2370Ser)

Gene: PKD1 (polycystin 1, transient receptor potential channel interacting; minus strand). Cytogenetic location: 16p13.3.
Variant type: single nucleotide variant.
Coding change: c.7108T>A on transcript NM_001009944.3 (MANE Select); coding-DNA position 7108, T replaced by A.
Protein change: p.Cys2370Ser; replaces cysteine 2370 with serine.
Molecular consequence: missense variant.
Genome position (GRCh38, 1-based): chr16:2,106,906, A>T on the plus strand (T>A on the coding strand, the complement: PKD1 is on the minus strand). VCF-style: chr16-2106906-A-T. GRCh37 (hg19) VCF-style: chr16-2156907-A-T.
Other names: c.7108T>A, p.Cys2370Ser (NM_000296.4); short protein forms C2370S.
Identifiers: ClinVar variation 3579297 (VCV003579297.4).

ClinVar aggregate classification (germline): Conflicting classifications of pathogenicity. Review status: criteria provided, conflicting classifications (1 of 4 stars). 4 submissions from 4 submitters: Pathogenic (1); Likely pathogenic (2); Uncertain significance (1). Last evaluated 2026-03-24.

Conditions:
PKD1-related disorder. Also called: PKD1-related condition.
Polycystic kidney disease, adult type (PKD1). Also called: Polycystic Kidney Disease 1, Autosomal Dominant; Polycystic kidney disease 1; Polycystic kidney disease 1, severe; Polycystic Kidney, Autosomal Dominant; POLYCYSTIC KIDNEY DISEASE, ADULT, TYPE I; POLYCYSTIC KIDNEY DISEASE 1 WITH OR WITHOUT POLYCYSTIC LIVER DISEASE. Identifiers: MedGen C3149841, MONDO:0008263, OMIM 173900.

Submissions (4):

PreventionGenetics, part of Exact Sciences
Classification: Likely pathogenic for PKD1-related condition. Last evaluated: 2026-03-24. Review status: criteria provided, single submitter. Criteria: ACMG Guidelines, 2015. Collection method: clinical testing. Allele origin: germline.
Comment: The PKD1 c.7108T>A variant is predicted to result in the amino acid substitution p.Cys2370Ser. This variant was reported in individuals with polycystic kidney disease (Table 1B of Appendix in Rossetti et al. 2007. PubMed ID: 17582161; Bataille et al. 2011. PubMed ID: 22008521; PreventionGenetics, internal data). Of note, different rare substitutions at the same codon have been reported in individuals with ADPKD (p.Cys2370Arg in Rossetti et al. 2003. PubMed ID: 12842373; p.Cys2370Tyr in Supplementary Table 2 of Yu et al. 2022. PubMed ID: 35778421 and Lin et al. 2023. PubMed ID: 36773205). Both p.Cys2370Ser and p.Cys2370Arg are listed as “likely pathogenic” in an ADPKD-specific variant database. The c.7108T>A (p.Cys2370Ser) variant has not been reported in a large population database (gnomAD), indicating this variant is rare. The REVEL (rare exome variant ensemble learner) program predicts this variant is pathogenic at a "strong" level (Ioannidis et al. 2016. PubMed ID: 27666373; Bergquist et al. 2024. PubMed ID: 39345488). This variant is interpreted as likely pathogenic.

Women's Health and Genetics/Laboratory Corporation of America, LabCorp
Classification: Pathogenic for Polycystic kidney disease, adult type. Last evaluated: 2026-02-04. Review status: criteria provided, single submitter. Criteria: LabCorp Variant Classification Summary - May 2015. Collection method: clinical testing. Allele origin: germline.
Comment: Variant summary: PKD1 c.7108T>A (p.Cys2370Ser) results in a non-conservative amino acid change in the encoded protein sequence. Algorithms developed to predict the effect of missense changes on protein structure and function all suggest that this variant is likely to be disruptive. The variant was absent in 220994 control chromosomes. c.7108T>A has been observed in multiple individual(s) affected with autosomal dominant Polycystic Kidney Disease 1 (example, Ambrosini_2023, Bataille_2011, Heyer_2016, Rossetti_2007, Audrezet_2016). These data indicate that the variant is likely to be associated with disease. A different variant affecting the same codon has been classified as likely pathogenic/pathogenic by our lab (c.7108T>C, p.Cys2370Arg), supporting the critical relevance of codon 2370 to PKD1 protein function. To our knowledge, no experimental evidence demonstrating an impact on protein function has been reported. The following publications have been ascertained in the context of this evaluation (PMID: 37372410, 22008521, 26823553, 17582161, 26139440). ClinVar contains an entry for this variant (Variation ID: 3579297). Based on the evidence outlined above, the variant was classified as pathogenic.

GeneDx
Classification: Uncertain significance. Last evaluated: 2025-03-14. Review status: criteria provided, single submitter. Criteria: GeneDx Variant Classification Process June 2021. Collection method: clinical testing. Allele origin: germline. Affected: yes.
Comment: Not observed at significant frequency in large population cohorts (gnomAD); In silico analysis supports that this missense variant has a deleterious effect on protein structure/function; This variant is associated with the following publications: (PMID: 22008521, 17582161, 26139440, 37372410)

Fulgent Genetics
Classification: Likely pathogenic for Polycystic kidney disease, adult type. Last evaluated: 2024-05-02. Review status: criteria provided, single submitter. Criteria: ACMG Guidelines, 2015. Collection method: clinical testing. Allele origin: germline.

Literature cited by the submitters: PubMed 26139440 (cited by Women's Health and Genetics/Laboratory Corporation of America, LabCorp); PubMed 22008521 (cited by Women's Health and Genetics/Laboratory Corporation of America, LabCorp); PubMed 17582161 (cited by Women's Health and Genetics/Laboratory Corporation of America, LabCorp); PubMed 26823553 (cited by Women's Health and Genetics/Laboratory Corporation of America, LabCorp); PubMed 37372410 (cited by Women's Health and Genetics/Laboratory Corporation of America, LabCorp).